The following is an entry in ClinVar:

ClinVar aggregate classification (germline): Uncertain significance (1 of 4 stars; one submission).

Conditions:
Juvenile polyposis syndrome (JPS). Identifiers: Orphanet 2929, MedGen C0345893, MONDO:0017380, OMIM 174900.

Submission:

Labcorp Genetics (formerly Invitae), Labcorp
Classification: Uncertain significance for Juvenile polyposis syndrome. Last evaluated: 2022-11-02. Review status: criteria provided, single submitter. Criteria: Invitae Variant Classification Sherloc (09022015). Collection method: clinical testing. Allele origin: germline.
Comment: In summary, the available evidence is currently insufficient to determine the role of this variant in disease. Therefore, it has been classified as a Variant of Uncertain Significance. Algorithms developed to predict the effect of missense changes on protein structure and function (SIFT, PolyPhen-2, Align-GVGD) all suggest that this variant is likely to be disruptive. This variant has not been reported in the literature in individuals affected with SMAD4-related conditions. This variant is not present in population databases (gnomAD no frequency). This sequence change replaces lysine, which is basic and polar, with threonine, which is neutral and polar, at codon 436 of the SMAD4 protein (p.Lys436Thr).

NM_005359.6(SMAD4):c.1307A>C (p.Lys436Thr)

Gene: SMAD4 (SMAD family member 4; plus strand). Cytogenetic location: 18q21.2.
Variant type: single nucleotide variant.
Coding change: c.1307A>C on transcript NM_005359.6 (MANE Select); coding-DNA position 1307, A replaced by C.
Protein change: p.Lys436Thr; replaces lysine 436 with threonine.
Molecular consequence: missense variant. On other transcripts: non-coding transcript variant (1).
Genome position (GRCh38, 1-based): chr18:51,067,186, A>C. VCF-style: chr18-51067186-A-C. GRCh37 (hg19) VCF-style: chr18-48593556-A-C.
Other names: c.1307A>C, p.Lys436Thr (NM_001407041.1, NM_001407042.1); short protein forms K436T.
Identifiers: ClinVar variation 2811473 (VCV002811473.3), dbSNP rs2144452924, ClinGen allele CA402465081.